The following is an entry in ClinVar:

ClinVar aggregate classification (germline): Benign/Likely benign. Review status: criteria provided, multiple submitters, no conflicts (2 of 4 stars). 5 submissions from 5 submitters: Benign (3); Likely benign (2). Last evaluated 2026-01-31.

Conditions:
Rhizomelic chondrodysplasia punctata type 2 (RCDP2). Also called: DIHYDROXYACETONEPHOSPHATE ACYLTRANSFERASE DEFICIENCY; glyceronephosphate O-acyltransferase (GNPAT) deficiency; Glyceronephosphate O-acyltransferase deficiency; DHAPAT DEFICIENCY; PEROXISOMAL DIHYDROXYACETONEPHOSPHATE ACYLTRANSFERASE DEFICIENCY; Chondrodysplasia punctata, rhizomelic, due to dihydroxyacetonephosphate acyltransferase deficiency. Identifiers: Orphanet 177, Orphanet 309796, MedGen C1857242, MONDO:0100273, OMIM 222765. Disease mechanism: loss of function.

Allele frequency attached by ClinVar (database versions not stated): gnomAD exomes 0.00311 and 0.00122; ExAC 0.00391; ESP Exome Variant Server 0.01384; gnomAD 0.01148 and 0.01237; 1000 Genomes Project 30x 0.01640; TOPMed 0.01335; 1000 Genomes Project 0.01418.
gnomAD v4.1: 3,678 of 1,614,056 alleles (0.23%); highest among the groups gnomAD compares: African/African-American, 4.1%; 94 homozygotes.

Submissions (5):

Labcorp Genetics (formerly Invitae), Labcorp
Classification: Benign. Last evaluated: 2026-01-31. Review status: criteria provided, single submitter. Criteria: Invitae Variant Classification Sherloc (09022015). Collection method: clinical testing. Allele origin: germline.

ARUP Laboratories, Molecular Genetics and Genomics, ARUP Laboratories
Classification: Benign for Rhizomelic chondrodysplasia punctata type 2. Last evaluated: 2023-11-06. Review status: criteria provided, single submitter. Criteria: ARUP Molecular Germline Variant Investigation Process 2024. Collection method: clinical testing. Allele origin: germline.

Illumina Laboratory Services, Illumina
Classification: Likely benign for Rhizomelic chondrodysplasia punctata type 2. Last evaluated: 2017-04-27. Review status: criteria provided, single submitter. Criteria: ICSL Variant Classification Criteria 13 December 2019. Collection method: clinical testing. Allele origin: germline.
Comment: This variant was observed as part of a predisposition screen in an ostensibly healthy population. A literature search was performed for the gene, cDNA change, and amino acid change (where applicable). No publications were found based on this search. Allele frequency data from public databases allowed determination this variant is unlikely to cause disease. Therefore, this variant is classified as likely benign.

GeneDx
Classification: Benign. Last evaluated: 2017-03-27. Review status: criteria provided, single submitter. Criteria: GeneDx Variant Classification (06012015). Collection method: clinical testing. Allele origin: germline. Affected: yes.
Comment: This variant is considered likely benign or benign based on one or more of the following criteria: it is a conservative change, it occurs at a poorly conserved position in the protein, it is predicted to be benign by multiple in silico algorithms, and/or has population frequency not consistent with disease.

Breakthrough Genomics
Classification: Likely benign. Review status: criteria provided, single submitter. Criteria: ACMG Guidelines, 2015. Collection method: not provided. Allele origin: germline. Inheritance: Autosomal recessive inheritance. Affected: yes.

NM_014236.4(GNPAT):c.1483G>A (p.Val495Ile)

Gene: GNPAT (glyceronephosphate O-acyltransferase; plus strand). Cytogenetic location: 1q42.2.
Variant type: single nucleotide variant.
Coding change: c.1483G>A on transcript NM_014236.4 (MANE Select); coding-DNA position 1483, G replaced by A.
Protein change: p.Val495Ile; replaces valine 495 with isoleucine.
Molecular consequence: missense variant.
Genome position (GRCh38, 1-based): chr1:231,270,961, G>A. VCF-style: chr1-231270961-G-A. GRCh37 (hg19) VCF-style: chr1-231406707-G-A.
Other names: c.1300G>A, p.Val434Ile (NM_001316350.2); short protein forms V495I, V434I.
Identifiers: ClinVar variation 296129 (VCV000296129.24), dbSNP rs11122266, ClinGen allele CA1452035.